The following is an entry in ClinVar:

ClinVar aggregate classification (germline): Uncertain significance (1 of 4 stars; one submission).

Conditions:
Inborn genetic diseases. Identifiers: MedGen C0950123, MeSH D030342.

Submission:

Ambry Genetics
Classification: Uncertain significance for Inborn genetic diseases. Last evaluated: 2025-07-15. Review status: criteria provided, single submitter. Criteria: Ambry Variant Classification Scheme 2023. Collection method: clinical testing. Allele origin: germline.
Comment: The p.L1419W variant (also known as c.4256T>G), located in coding exon 1 of the SAMD9 gene, results from a T to G substitution at nucleotide position 4256. The leucine at codon 1419 is replaced by tryptophan, an amino acid with similar properties. This amino acid position is conserved. In addition, this alteration is predicted to be tolerated by in silico analysis. Based on the available evidence, the clinical significance of this variant remains unclear.

NM_017654.4(SAMD9):c.4256T>G (p.Leu1419Trp)

Gene: SAMD9 (sterile alpha motif domain containing 9; minus strand). Cytogenetic location: 7q21.2.
Variant type: single nucleotide variant.
Coding change: c.4256T>G on transcript NM_017654.4 (MANE Select); coding-DNA position 4256, T replaced by G.
Protein change: p.Leu1419Trp; replaces leucine 1419 with tryptophan.
Molecular consequence: missense variant.
Genome position (GRCh38, 1-based): chr7:93,101,842, A>C on the plus strand (T>G on the coding strand, the complement: SAMD9 is on the minus strand). VCF-style: chr7-93101842-A-C. GRCh37 (hg19) VCF-style: chr7-92731155-A-C.
Other names: c.4256T>G, p.Leu1419Trp (NM_001193307.2); short protein forms L1419W.
Identifiers: ClinVar variation 4159083 (VCV004159083.1).